The following is an entry in ClinVar:

NM_032237.5(POMK):c.94_98del (p.Thr32fs)

Gene: POMK (protein O-mannose kinase; plus strand). Cytogenetic location: 8p11.21.
Variant type: Deletion.
Coding change: c.94_98del on transcript NM_032237.5 (MANE Select); coding-DNA positions 94 to 98, 5 bases deleted (ACTCT; older notation c.94_98delACTCT).
Protein change: p.Thr32fs; shifts the reading frame from threonine 32.
Molecular consequence: frameshift variant.
Genome position (GRCh38, 1-based): chr8:43,103,642-43,103,646, ACTCT deleted; deleting any 5 consecutive bases within chr8:43,103,641-43,103,646 gives the same sequence; the c. name uses the placement nearest the transcript's 3' end. VCF-style (leftmost placement, unchanged base first): chr8-43103640-ATACTC-A. GRCh37 (hg19) VCF-style: chr8-42958783-ATACTC-A.
Other names: c.94_98del, p.Thr32fs (NM_001277971.2); short protein forms T32fs.
Identifiers: ClinVar variation 2158045 (VCV002158045.4), dbSNP rs1251606511, ClinGen allele CA581627023.

ClinVar aggregate classification (germline): Pathogenic (1 of 4 stars; one submission).

Conditions:
Muscular dystrophy-dystroglycanopathy (congenital with brain and eye anomalies), type a, 12 (MDDGA12). Also called: WALKER-WARBURG SYNDROME OR MUSCLE-EYE-BRAIN DISEASE, POMK-RELATED. Identifiers: Orphanet 899, MedGen C3808964, MONDO:0014101, OMIM 615249.
Limb-girdle muscular dystrophy due to POMK deficiency. Also called: MUSCULAR DYSTROPHY-DYSTROGLYCANOPATHY, LIMB-GIRDLE, POMK-RELATED; Muscular dystrophy-dystroglycanopathy (limb-girdle), type c, 12. Identifiers: Orphanet 445110, MedGen C4015184, MONDO:0014489, OMIM 616094.

Submission:

Labcorp Genetics (formerly Invitae), Labcorp
Classification: Pathogenic for Muscular dystrophy-dystroglycanopathy (congenital with brain and eye anomalies), type a, 12; Limb-girdle muscular dystrophy due to POMK deficiency. Last evaluated: 2025-06-23. Review status: criteria provided, single submitter. Criteria: Invitae Variant Classification Sherloc (09022015). Collection method: clinical testing. Allele origin: germline.
Comment: This sequence change creates a premature translational stop signal (p.Thr32Alafs*66) in the POMK gene. While this is not anticipated to result in nonsense mediated decay, it is expected to disrupt the last 319 amino acid(s) of the POMK protein. This variant is present in population databases (no rsID available, gnomAD 0.01%). This variant has not been reported in the literature in individuals affected with POMK-related conditions. ClinVar contains an entry for this variant (Variation ID: 2158045). This variant disrupts a region of the POMK protein in which other variant(s) (p.Gln109*) have been determined to be pathogenic (PMID: 24556084, 24925318). This suggests that this is a clinically significant region of the protein, and that variants that disrupt it are likely to be disease-causing. For these reasons, this variant has been classified as Pathogenic.

Literature cited by the submitters: PubMed 24556084; PubMed 24925318.